The following is an entry in ClinVar:

ClinVar aggregate classification (germline): Benign. Review status: reviewed by expert panel (3 of 4 stars). 7 submissions from 7 submitters: Benign (1). 6 of the submissions do not count toward it. Last evaluated 2024-09-17.

Conditions:
Noonan syndrome 9 (NS9). Identifiers: Orphanet 648, MedGen C4225282, MONDO:0014691, OMIM 616559.
RASopathy. Also called: rasopathies; Noonan spectrum disorder. Identifiers: Orphanet 536391, MedGen C5555857, MONDO:0021060.
Cardiovascular phenotype. Identifiers: MedGen CN230736.
SOS2-related disorder. Also called: SOS2-related condition.

Submissions (7):

ClinGen RASopathy Variant Curation Expert Panel
Classification: Benign for RASopathy. Last evaluated: 2024-09-17. Review status: reviewed by expert panel. Criteria: ClinGen RASopathy ACMG Specifications SOS2 V2.1.0. Collection method: curation. Allele origin: germline. Inheritance: Autosomal dominant inheritance.
Comment: The c.3755_3757del (p.Ile1252del) variant in SOS2 is predicted to cause a change in the length of the protein due to an in-frame deletion of 1 amino acid in a non-repeat region. The highest population filtering allele frequency in gnomAD v2.1.1 is 0.00217 in the African/African American population, which is higher than the ClinGen RASopathy VCEP threshold (>0.0005) for BA1, and therefore meets this criterion (BA1). In summary, this variant meets the criteria to be classified as benign for autosomal dominant RASopathy based on the ACMG/AMP criteria applied, as specified by the ClinGen RASopathy VCEP: BA1. (RASopathy VCEP specifications version 2.1; 9/17/2024)

Labcorp Genetics (formerly Invitae), Labcorp
Classification: Likely benign for Noonan syndrome 9. Last evaluated: 2026-01-14. Review status: criteria provided, single submitter. Criteria: Invitae Variant Classification Sherloc (09022015). Collection method: clinical testing. Allele origin: germline. Not counted in ClinVar's aggregate classification.

Ambry Genetics
Classification: Likely benign for Cardiovascular phenotype. Last evaluated: 2025-04-10. Review status: criteria provided, single submitter. Criteria: Ambry Variant Classification Scheme 2023. Collection method: clinical testing. Allele origin: germline. Not counted in ClinVar's aggregate classification.

Blueprint Genetics
Classification: Likely benign. Last evaluated: 2022-08-18. Review status: criteria provided, single submitter. Criteria: ACMG Guidelines, 2015. Collection method: clinical testing. Allele origin: germline. Not counted in ClinVar's aggregate classification.

Women's Health and Genetics/Laboratory Corporation of America, LabCorp
Classification: Benign. Last evaluated: 2020-07-27. Review status: criteria provided, single submitter. Criteria: LabCorp Variant Classification Summary - May 2015. Collection method: clinical testing. Allele origin: germline. Not counted in ClinVar's aggregate classification.
Comment: Variant summary: SOS2 c.3755_3757delTTA (p.Ile1252del) results in an in-frame deletion that is predicted to remove 1 amino acid from the encoded protein. The variant allele was found at a frequency of 0.00013 in 251484 control chromosomes, predominantly at a frequency of 0.0014 within the African or African-American subpopulation in the gnomAD database. The observed variant frequency within African or African-American control individuals in the gnomAD database is approximately 560 fold of the estimated maximal expected allele frequency for a pathogenic variant in SOS2 causing Noonan Syndrome phenotype (2.5e-06), strongly suggesting that the variant is a benign polymorphism found primarily in populations of African or African-American origin. To our knowledge, no occurrence of c.3755_3757delTTA in individuals affected with Noonan Syndrome and no experimental evidence demonstrating its impact on protein function have been reported. Two ClinVar submitters (evaluation after 2014) cite the variant as likely benign (n=1) and as uncertain significance n=1). Based on the evidence outlined above, the variant was classified as benign.

Center for Pediatric Genomic Medicine, Children's Mercy Hospital and Clinics
Classification: Uncertain significance. Last evaluated: 2017-05-08. Review status: criteria provided, single submitter. Criteria: ACMG Guidelines, 2015. Collection method: clinical testing. Allele origin: germline. Not counted in ClinVar's aggregate classification.

PreventionGenetics, part of Exact Sciences
Classification: Benign for SOS2-related condition. Last evaluated: 2020-04-06. Review status: no assertion criteria provided. Collection method: clinical testing. Allele origin: germline. Not counted in ClinVar's aggregate classification.
Comment: This variant is classified as benign based on ACMG/AMP sequence variant interpretation guidelines (Richards et al. 2015 PMID: 25741868, with internal and published modifications).

NM_006939.4(SOS2):c.3755_3757del (p.Ile1252del)

Gene: SOS2 (SOS Ras/Rho guanine nucleotide exchange factor 2; minus strand). Cytogenetic location: 14q21.3.
Variant type: Deletion.
Coding change: c.3755_3757del on transcript NM_006939.4 (MANE Select); coding-DNA positions 3755 to 3757, 3 bases deleted (TTA; older notation c.3755_3757delTTA).
Protein change: p.Ile1252del; deletes isoleucine 1252.
Molecular consequence: inframe deletion.
Genome position (GRCh38, 1-based): chr14:50,118,586-50,118,588, TAA deleted on the plus strand (TTA on the coding strand, the reverse complement: SOS2 is on the minus strand); deleting any 3 consecutive bases within chr14:50,118,586-50,118,589 gives the same sequence; the c. name uses the placement nearest the transcript's 3' end. VCF-style (leftmost placement, unchanged base first): chr14-50118585-CTAA-C. GRCh37 (hg19) VCF-style: chr14-50585303-CTAA-C.
Other names: NM_006939.4(SOS2):c.3755_3757del; p.Ile1252del; c.3755_3757del (NM_006939.2); short protein forms I1252del.
Identifiers: ClinVar variation 445735 (VCV000445735.17), dbSNP rs775506222, ClinGen allele CA7176713.